The following is an entry in ClinVar:

ClinVar aggregate classification (germline): Pathogenic (1 of 4 stars; one submission).

Submission:

Labcorp Genetics (formerly Invitae), Labcorp
Classification: Pathogenic. Last evaluated: 2022-01-06. Review status: criteria provided, single submitter. Criteria: Invitae Variant Classification Sherloc (09022015). Collection method: clinical testing. Allele origin: germline.
Comment: This variant is not present in population databases (gnomAD no frequency). For these reasons, this variant has been classified as Pathogenic. This variant has not been reported in the literature in individuals affected with GFM1-related conditions. This sequence change creates a premature translational stop signal (p.Glu266*) in the GFM1 gene. It is expected to result in an absent or disrupted protein product. Loss-of-function variants in GFM1 are known to be pathogenic (PMID: 16632485, 17160893).

Literature cited by the submitters: PubMed 16632485; PubMed 17160893.

NM_024996.7(GFM1):c.796G>T (p.Glu266Ter)

Gene: GFM1 (G elongation factor mitochondrial 1; plus strand). Cytogenetic location: 3q25.32.
Variant type: single nucleotide variant.
Coding change: c.796G>T on transcript NM_024996.7 (MANE Select); coding-DNA position 796, G replaced by T.
Protein change: p.Glu266Ter; replaces glutamic acid 266 with a stop codon.
Molecular consequence: nonsense. On other transcripts: non-coding transcript variant (4).
Genome position (GRCh38, 1-based): chr3:158,652,202, G>T. VCF-style: chr3-158652202-G-T. GRCh37 (hg19) VCF-style: chr3-158369991-G-T.
Other names: c.853G>T, p.Glu285Ter (NM_001308164.2, NM_001374355.1); c.796G>T, p.Glu266Ter (NM_001308166.2); c.679G>T, p.Glu227Ter (NM_001374356.1); c.571G>T, p.Glu191Ter (NM_001374357.1); c.337G>T, p.Glu113Ter (NM_001374358.1); c.229G>T, p.Glu77Ter (NM_001374359.1, NM_001374360.1); c.112G>T, p.Glu38Ter (NM_001374361.1); short protein forms E266*, E285*, E38*, E77*, E113*, E191*, E227*.
Identifiers: ClinVar variation 2076421 (VCV002076421.4), dbSNP rs2473961108, ClinGen allele CA355176819.